The following is an entry in ClinVar:

NM_000038.6(APC):c.2243G>T (p.Ser748Ile)

Gene: APC (APC regulator of Wnt signaling pathway; plus strand). Cytogenetic location: 5q22.2.
Variant type: single nucleotide variant.
Coding change: c.2243G>T on transcript NM_000038.6 (MANE Select); coding-DNA position 2243, G replaced by T.
Protein change: p.Ser748Ile; replaces serine 748 with isoleucine.
Molecular consequence: missense variant. On other transcripts: non-coding transcript variant (2).
Genome position (GRCh38, 1-based): chr5:112,837,837, G>T. VCF-style: chr5-112837837-G-T. GRCh37 (hg19) VCF-style: chr5-112173534-G-T.
Other names: c.1940G>T, p.Ser647Ile (NM_001407458.1, NM_001407459.1, NM_001407460.1 and 1 more transcripts); c.1856G>T, p.Ser619Ile (NM_001407467.1, NM_001407469.1); c.1394G>T, p.Ser465Ile (NM_001407470.1, NM_001354906.2); c.1091G>T, p.Ser364Ile (NM_001407471.1, NM_001407472.1); c.2297G>T, p.Ser766Ile (NM_001407447.1, NM_001407448.1, NM_001407449.1 and 1 more transcripts); c.2243G>T, p.Ser748Ile (NM_001407450.1, NM_001127510.3, NM_001354895.2); c.2222G>T, p.Ser741Ile (NM_001407451.1); c.2213G>T, p.Ser738Ile (NM_001407452.1); and 11 more; short protein forms S364I, S622I, S720I, S738I, S748I, S766I, S776I, S619I.
Identifiers: ClinVar variation 4838120 (VCV004838120.1).
Genomic context (GRCh38, chr5:112,837,837, plus strand): 5'-ATCTCATGGCAAATAGGCCTGCGAAGTACAAGGATGCCAATATTATGTCTCCTGGCTCAA[G>T]CTTGCCATCTCTTCATGTTAGGAAACAAAAAGCCCTAGAAGCAGAATTAGATGCTCAGCA-3'
Protein context (NP_000029.2, residues 738-758): KDANIMSPGS[Ser748Ile]LPSLHVRKQK

ClinVar aggregate classification (germline): Uncertain significance (1 of 4 stars; one submission).

Conditions:
Hereditary cancer-predisposing syndrome. Also called: Neoplastic Syndromes, Hereditary; Tumor predisposition; Hereditary Cancer Syndrome; Hereditary neoplastic syndrome. Identifiers: Orphanet 140162, MedGen C0027672, MeSH D009386, MONDO:0015356.

Submission:

Ambry Genetics
Classification: Uncertain significance for Hereditary cancer-predisposing syndrome. Last evaluated: 2026-02-20. Review status: criteria provided, single submitter. Criteria: Ambry Variant Classification Scheme 2023. Collection method: clinical testing. Allele origin: germline.
Comment: The p.S748I variant (also known as c.2243G>T), located in coding exon 15 of the APC gene, results from a G to T substitution at nucleotide position 2243. The serine at codon 748 is replaced by isoleucine, an amino acid with dissimilar properties. This amino acid position is conserved. In addition, in silico predictors for this gene do not accurately predict pathogenicity. Based on the available evidence, the clinical significance of this variant remains unclear.